The following is an entry in ClinVar:

Conditions:
Long QT syndrome 5 (LQT5). Identifiers: Orphanet 101016, Orphanet 768, MedGen C1867904, MONDO:0013372, OMIM 613695.

Submission:

Roden Lab, Vanderbilt University Medical Center
No classification provided (evidence only). Condition: Long QT syndrome 5. Review status: no classification provided. Collection method: in vitro. Allele origin: not applicable. Functional consequence: Effect on ion channel function.
ClinVar note: "not provided" was previously submitted as the classification for the variant. However, the classification appeared to be based only on an observation of functional data so it was converted to no classification on 2025-07-30.

NM_000219.6(KCNE1):c.211C>A (p.Leu71Met)

Gene: KCNE1 (potassium voltage-gated channel subfamily E regulatory subunit 1; minus strand). Cytogenetic location: 21q22.12.
Variant type: single nucleotide variant.
Coding change: c.211C>A on transcript NM_000219.6 (MANE Select); coding-DNA position 211, C replaced by A.
Protein change: p.Leu71Met; replaces leucine 71 with methionine.
Molecular consequence: missense variant.
Genome position (GRCh38, 1-based): chr21:34,449,424, G>T on the plus strand (C>A on the coding strand, the complement: KCNE1 is on the minus strand). VCF-style: chr21-34449424-G-T. GRCh37 (hg19) VCF-style: chr21-35821722-G-T.
Other names: c.211C>A, p.Leu71Met (NM_001127668.4, NM_001127669.4, NM_001127670.4 and 4 more transcripts); short protein forms L71M.
Identifiers: ClinVar variation 3374337 (VCV003374337.2).